The following is an entry in ClinVar:

ClinVar aggregate classification (germline): Conflicting classifications of pathogenicity. Review status: criteria provided, conflicting classifications (1 of 4 stars). 14 submissions from 13 submitters: Uncertain significance (2); Likely benign (9). 3 of the submissions do not count toward it. Last evaluated 2026-03-27.

Conditions:
Cardiovascular phenotype. Identifiers: MedGen CN230736.
Cardiomyopathy (CMYO). Also called: Cardiomyopathies. Identifiers: Orphanet 167848, MedGen C0878544, MONDO:0004994, HP:0001638. Inheritance: Various modes of inheritance.
Wolff-Parkinson-White pattern. Also called: WPW SYNDROME; Auriculoventricular accessory pathway syndrome; False bundle branch block syndrome; Anomalous ventricular excitation syndrome. Identifiers: MedGen C0043202, MONDO:0008685, OMIM 194200, HP:0001716.
Hypertrophic cardiomyopathy 6. Identifiers: MedGen C1833236, MONDO:0010946, OMIM 600858.
Lethal congenital glycogen storage disease of heart. Also called: GLYCOGEN STORAGE DISEASE OF HEART; PHOSPHORYLASE KINASE DEFICIENCY OF HEART. Identifiers: Orphanet 439854, MedGen C1849813, MONDO:0009867, OMIM 261740.
Hypertrophic cardiomyopathy. Also called: HYPERTROPHIC MYOCARDIOPATHY. Identifiers: Orphanet 217569, MedGen C0007194, MeSH D002312, MONDO:0005045, HP:0001639.

Allele frequency attached by ClinVar (database versions not stated): ExAC 0.00002; gnomAD exomes 0.00003 and 0.00012; gnomAD 0.00004; TOPMed 0.00005.
gnomAD v4.1: 181 of 1,613,386 alleles (0.011%); highest among the groups gnomAD compares: Middle Eastern, 0.049%; no homozygotes.

Submissions (14):

Molecular Diagnostic Laboratory for Inherited Cardiovascular Disease, Montreal Heart Institute
Classification: Likely benign. Last evaluated: 2026-03-27. Review status: criteria provided, single submitter. Criteria: ACMG Guidelines, 2015. Collection method: clinical testing. Allele origin: germline. Affected: no.
Comment: BP7

Labcorp Genetics (formerly Invitae), Labcorp
Classification: Likely benign for Lethal congenital glycogen storage disease of heart. Last evaluated: 2026-01-13. Review status: criteria provided, single submitter. Criteria: Invitae Variant Classification Sherloc (09022015). Collection method: clinical testing. Allele origin: germline.

Women's Health and Genetics/Laboratory Corporation of America, LabCorp
Classification: Likely benign. Last evaluated: 2025-11-12. Review status: criteria provided, single submitter. Criteria: LabCorp Variant Classification Summary - May 2015. Collection method: clinical testing. Allele origin: germline.

Blueprint Genetics
Classification: Likely benign. Last evaluated: 2024-09-13. Review status: criteria provided, single submitter. Criteria: ACMG Guidelines, 2015. Collection method: clinical testing. Allele origin: germline.

All of Us Research Program, National Institutes of Health
Classification: Likely benign for Hypertrophic cardiomyopathy. Last evaluated: 2024-01-11. Review status: criteria provided, single submitter. Criteria: ACMG Guidelines, 2015. Collection method: clinical testing. Allele origin: germline. Inheritance: Autosomal dominant inheritance. Observed: 10 variant alleles, 10 heterozygotes.
Comment: This study involves interpretation of variants in research participants for the purpose of population health screening. Participant phenotype was not available at the time of variant classification. Additional details can be found in publication PMID: 35346344, PMCID: PMC8962531

Color Diagnostics, LLC DBA Color Health
Classification: Likely benign for Cardiomyopathy. Last evaluated: 2018-12-04. Review status: criteria provided, single submitter. Criteria: ACMG Guidelines, 2015. Collection method: clinical testing. Allele origin: germline.

Ambry Genetics
Classification: Likely benign for Cardiovascular phenotype. Last evaluated: 2018-07-27. Review status: criteria provided, single submitter. Criteria: Ambry Variant Classification Scheme 2023. Collection method: clinical testing. Allele origin: germline.

Illumina Laboratory Services, Illumina
Classification: Uncertain significance for Hypertrophic cardiomyopathy 6. Last evaluated: 2018-01-12. Review status: criteria provided, single submitter. Criteria: ICSL Variant Classification Criteria 13 December 2019. Collection method: clinical testing. Allele origin: germline.

Illumina Laboratory Services, Illumina
Classification: Uncertain significance for Wolff-Parkinson-White pattern. Last evaluated: 2018-01-12. Review status: criteria provided, single submitter. Criteria: ICSL Variant Classification Criteria 13 December 2019. Collection method: clinical testing. Allele origin: germline.

GeneDx
Classification: Likely benign. Last evaluated: 2016-09-26. Review status: criteria provided, single submitter. Criteria: GeneDx Variant Classification (06012015). Collection method: clinical testing. Allele origin: germline. Affected: yes.
Comment: This variant is considered likely benign or benign based on one or more of the following criteria: it is a conservative change, it occurs at a poorly conserved position in the protein, it is predicted to be benign by multiple in silico algorithms, and/or has population frequency not consistent with disease.

Laboratory for Molecular Medicine, Mass General Brigham Personalized Medicine
Classification: Likely benign. Last evaluated: 2015-06-09. Review status: criteria provided, single submitter. Criteria: LMM Criteria. Collection method: clinical testing. Allele origin: germline. Observed: 1 variant allele.
Comment: p.Leu327Leu in exon 8 of PRKAG2: This variant is not expected to have clinical s ignificance because it does not alter an amino acid residue and is not located w ithin the splice consensus sequence. It has been identified in 1/66410 European (Non-Finnish) chromosomes and in 1/11526 Latino chromosomes by the Exome Aggrega tion Consortium Sequencing Project.

Clinical Genetics, Academic Medical Center
Classification: Benign. Review status: no assertion criteria provided. Collection method: clinical testing. Allele origin: germline. Affected: yes. Study: VKGL Data-share Consensus. Not counted in ClinVar's aggregate classification.

Diagnostic Laboratory, Department of Genetics, University Medical Center Groningen
Classification: Likely benign. Review status: no assertion criteria provided. Collection method: clinical testing. Allele origin: germline. Affected: yes. Study: VKGL Data-share Consensus. Not counted in ClinVar's aggregate classification.

Genome Diagnostics Laboratory, University Medical Center Utrecht
Classification: Likely benign. Review status: no assertion criteria provided. Collection method: clinical testing. Allele origin: germline. Affected: yes. Study: VKGL Data-share Consensus. Not counted in ClinVar's aggregate classification.

NM_016203.4(PRKAG2):c.981A>G (p.Leu327=)

Gene: PRKAG2 (protein kinase AMP-activated non-catalytic subunit gamma 2; minus strand). Cytogenetic location: 7q36.1.
Variant type: single nucleotide variant.
Coding change: c.981A>G on transcript NM_016203.4 (MANE Select); coding-DNA position 981, A replaced by G.
Protein change: p.Leu327=; no amino-acid change (leucine 327 retained).
Molecular consequence: synonymous variant.
Genome position (GRCh38, 1-based): chr7:151,574,915, T>C on the plus strand (A>G on the coding strand, the complement: PRKAG2 is on the minus strand). VCF-style: chr7-151574915-T-C. GRCh37 (hg19) VCF-style: chr7-151272001-T-C.
Other names: c.849A>G, p.Leu283= (NM_001040633.2); c.606A>G, p.Leu202= (NM_001304527.2); c.258A>G, p.Leu86= (NM_001304531.2, NM_024429.2); c.609A>G, p.Leu203= (NM_001363698.2).
Identifiers: ClinVar variation 227880 (VCV000227880.32), dbSNP rs764162597, ClinGen allele CA058892.